The following is an entry in ClinVar:

NM_177438.3(DICER1):c.3808G>T (p.Val1270Leu)

Gene: DICER1 (dicer 1, ribonuclease III; minus strand). Cytogenetic location: 14q32.13.
Variant type: single nucleotide variant.
Coding change: c.3808G>T on transcript NM_177438.3 (MANE Select); coding-DNA position 3808, G replaced by T.
Protein change: p.Val1270Leu; replaces valine 1270 with leucine.
Molecular consequence: missense variant. On other transcripts: non-coding transcript variant (6).
Genome position (GRCh38, 1-based): chr14:95,103,588, C>A on the plus strand (G>T on the coding strand, the complement: DICER1 is on the minus strand). VCF-style: chr14-95103588-C-A. GRCh37 (hg19) VCF-style: chr14-95569925-C-A.
Other names: c.3808G>T, p.Val1270Leu (NM_001195573.1, NM_001271282.3, NM_001291628.2 and 13 more transcripts); c.3526G>T, p.Val1176Leu (NM_001395686.1); c.3403G>T, p.Val1135Leu (NM_001395687.1, NM_001395688.1, NM_001395689.1 and 2 more transcripts); c.3241G>T, p.Val1081Leu (NM_001395691.1); c.2125G>T, p.Val709Leu (NM_001395697.1); short protein forms V1135L, V1270L, V1081L, V1176L, V709L.
Identifiers: ClinVar variation 1735117 (VCV001735117.2), dbSNP rs1566767339, ClinGen allele CA390873402.
Genomic context (GRCh38, chr14:95,103,588, plus strand): 5'-GAGTCCTTGAGGAGTACCCAATAGAAGGGCTCTGCTCAGAATCCATCCTGCCCTTGAGCA[C>A]TTGAATAGTGTCTGTCGTACCAGGCATTACGGCCATCACAGGACTTCCATCTGAGGTAGA-3'
Protein context (NP_803187.1, residues 1260-1280): VMPGTTDTIQ[Val1270Leu]LKGRMDSEQS

ClinVar aggregate classification (germline): Uncertain significance (1 of 4 stars; one submission).

Conditions:
Hereditary cancer-predisposing syndrome. Also called: Neoplastic Syndromes, Hereditary; Tumor predisposition; Hereditary Cancer Syndrome; Hereditary neoplastic syndrome. Identifiers: Orphanet 140162, MedGen C0027672, MeSH D009386, MONDO:0015356.

Allele frequency attached by ClinVar (database versions not stated): gnomAD exomes below 0.00001.
gnomAD v4.1: 1 of 1,614,182 alleles (0.000062%); highest among the groups gnomAD compares: Non-Finnish European, 0.000085%; no homozygotes.

Submission:

Ambry Genetics
Classification: Uncertain significance for Hereditary cancer-predisposing syndrome. Last evaluated: 2020-08-20. Review status: criteria provided, single submitter. Criteria: Ambry Variant Classification Scheme 2023. Collection method: clinical testing. Allele origin: germline.
Comment: The p.V1270L variant (also known as c.3808G>T), located in coding exon 20 of the DICER1 gene, results from a G to T substitution at nucleotide position 3808. The valine at codon 1270 is replaced by leucine, an amino acid with highly similar properties. This amino acid position is poorly conserved in available vertebrate species. In addition, this alteration is predicted to be tolerated by in silico analysis. Since supporting evidence is limited at this time, the clinical significance of this alteration remains unclear.